The following is an entry in ClinVar:

NM_145290.4(ADGRA3):c.2697T>A (p.Asn899Lys)

Gene: ADGRA3 (adhesion G protein-coupled receptor A3; minus strand). Cytogenetic location: 4p15.2.
Variant type: single nucleotide variant.
Coding change: c.2697T>A on transcript NM_145290.4 (MANE Select); coding-DNA position 2697, T replaced by A.
Protein change: p.Asn899Lys; replaces asparagine 899 with lysine.
Molecular consequence: missense variant.
Genome position (GRCh38, 1-based): chr4:22,389,114, A>T on the plus strand (T>A on the coding strand, the complement: ADGRA3 is on the minus strand). VCF-style: chr4-22389114-A-T. GRCh37 (hg19) VCF-style: chr4-22390737-A-T.
Other names: short protein forms N899K.
Identifiers: ClinVar variation 2096427 (VCV002096427.4), dbSNP rs2474688935, ClinGen allele CA356475179.

ClinVar aggregate classification (germline): Uncertain significance (1 of 4 stars; one submission).

Submission:

Labcorp Genetics (formerly Invitae), Labcorp
Classification: Uncertain significance. Last evaluated: 2022-08-10. Review status: criteria provided, single submitter. Criteria: Invitae Variant Classification Sherloc (09022015). Collection method: clinical testing. Allele origin: germline.
Comment: In summary, the available evidence is currently insufficient to determine the role of this variant in disease. Therefore, it has been classified as a Variant of Uncertain Significance. Algorithms developed to predict the effect of missense changes on protein structure and function are either unavailable or do not agree on the potential impact of this missense change (SIFT: "Tolerated"; PolyPhen-2: "Probably Damaging"; Align-GVGD: "Class C15"). This variant has not been reported in the literature in individuals affected with ADGRA3-related conditions. This variant is not present in population databases (gnomAD no frequency). This sequence change replaces asparagine, which is neutral and polar, with lysine, which is basic and polar, at codon 899 of the ADGRA3 protein (p.Asn899Lys).